The following is an entry in ClinVar:

NM_004991.4(MECOM):c.606T>A (p.Asp202Glu)

Gene: MECOM (MDS1 and EVI1 complex locus; minus strand). Cytogenetic location: 3q26.2.
Variant type: single nucleotide variant.
Coding change: c.606T>A on transcript NM_004991.4 (MANE Select); coding-DNA position 606, T replaced by A.
Protein change: p.Asp202Glu; replaces aspartic acid 202 with glutamic acid.
Molecular consequence: missense variant.
Genome position (GRCh38, 1-based): chr3:169,131,436, A>T on the plus strand (T>A on the coding strand, the complement: MECOM is on the minus strand). VCF-style: chr3-169131436-A-T. GRCh37 (hg19) VCF-style: chr3-168849224-A-T.
Other names: c.42T>A, p.Asp14Glu (NM_001366470.2, NM_001366471.2, NM_001366472.2 and 9 more transcripts); c.606T>A, p.Asp202Glu (NM_001366473.2, NM_001366466.2); c.234T>A, p.Asp78Glu (NM_001105077.4); short protein forms D14E, D202E, D78E.
Identifiers: ClinVar variation 4859722 (VCV004859722.1).
Genomic context (GRCh38, chr3:169,131,436, plus strand): 5'-CTTTATAGTCGCGATGATAAGGTGATAAGGAGGGTGGCGTGAGTGGTACTAACCGTGGAT[A>T]TCCGGCGCCATAGTTTCATGGGGATAGTCTTCGCTCTTCATGAACAGCAGAAGCTCCTCT-3'
Protein context (NP_004982.2, residues 192-212): EDYPHETMAP[Asp202Glu]IHEERQYRCE

ClinVar aggregate classification (germline): Uncertain significance (1 of 4 stars; one submission).

Conditions:
Inborn genetic diseases. Identifiers: MedGen C0950123, MeSH D030342.

Submission:

Ambry Genetics
Classification: Uncertain significance for Inborn genetic diseases. Last evaluated: 2026-04-05. Review status: criteria provided, single submitter. Criteria: Ambry Variant Classification Scheme 2023. Collection method: clinical testing. Allele origin: germline.
Comment: The p.D202E variant (also known as c.606T>A), located in coding exon 4 of the MECOM gene, results from a T to A substitution at nucleotide position 606. The aspartic acid at codon 202 is replaced by glutamic acid, an amino acid with highly similar properties. This amino acid position is conserved. In addition, this alteration is predicted to be tolerated by in silico analysis. Based on the available evidence, the clinical significance of this variant remains unclear.